The following is an entry in ClinVar:

NM_004456.5(EZH2):c.396T>C (p.Pro132=)

Gene: EZH2 (enhancer of zeste 2 polycomb repressive complex 2 subunit; minus strand). Cytogenetic location: 7q36.1.
Variant type: single nucleotide variant.
Coding change: c.396T>C on transcript NM_004456.5 (MANE Select); coding-DNA position 396, T replaced by C.
Protein change: p.Pro132=; no amino-acid change (proline 132 retained).
Molecular consequence: synonymous variant.
Genome position (GRCh38, 1-based): chr7:148,829,816, A>G on the plus strand (T>C on the coding strand, the complement: EZH2 is on the minus strand). VCF-style: chr7-148829816-A-G. GRCh37 (hg19) VCF-style: chr7-148526908-A-G.
Other names: c.396T>C, p.Pro132= (NM_001203247.2); c.369T>C, p.Pro123= (NM_001203248.2, NM_001203249.2); c.279T>C, p.Pro93= (NM_152998.3).
Identifiers: ClinVar variation 359286 (VCV000359286.42), dbSNP rs61732845, ClinGen allele CA4548134.

ClinVar aggregate classification (germline): Benign/Likely benign. Review status: criteria provided, multiple submitters, no conflicts (2 of 4 stars). 5 submissions from 5 submitters: Benign (3); Likely benign (1). 1 of the submissions does not count toward it. Last evaluated 2026-09-01.

Conditions:
Weaver syndrome (WVS). Also called: Weaver Smith syndrome; Overgrowth syndrome with accelerated skeletal maturation, unusual facies, and camptodactyly. Identifiers: Orphanet 3447, MedGen C0265210, MONDO:0010193, OMIM 277590.
EZH2-related disorder.

Allele frequency attached by ClinVar (database versions not stated): 1000 Genomes Project 0.00160; 1000 Genomes Project 30x 0.00172; gnomAD 0.00450 and 0.00454; TOPMed 0.00458; ESP Exome Variant Server 0.00477; gnomAD exomes 0.00525; ExAC 0.00527.
gnomAD v4.1: 9,181 of 1,596,652 alleles (0.58%); highest among the groups gnomAD compares: Non-Finnish European, 0.61%; 40 homozygotes.

Submissions (5):

CeGaT Center for Human Genetics Tuebingen
Classification: Benign. Last evaluated: 2026-09-01. Review status: criteria provided, single submitter. Criteria: CeGaT Center For Human Genetics Tuebingen Variant Classification Criteria Version 2. Collection method: clinical testing. Allele origin: germline. Affected: yes. Observed: 38 variant alleles.
Comment: EZH2: BP4, BP7, BS1, BS2

Labcorp Genetics (formerly Invitae), Labcorp
Classification: Benign for Weaver syndrome. Last evaluated: 2026-02-03. Review status: criteria provided, single submitter. Criteria: Invitae Variant Classification Sherloc (09022015). Collection method: clinical testing. Allele origin: germline.

Blueprint Genetics
Classification: Likely benign. Last evaluated: 2024-11-26. Review status: criteria provided, single submitter. Criteria: ACMG Guidelines, 2015. Collection method: clinical testing. Allele origin: germline.

GeneDx
Classification: Benign. Last evaluated: 2015-03-03. Review status: criteria provided, single submitter. Criteria: GeneDx Variant Classification Process June 2021. Collection method: clinical testing. Allele origin: germline. Affected: yes.

PreventionGenetics, part of Exact Sciences
Classification: Benign for EZH2-related condition. Last evaluated: 2019-04-10. Review status: no assertion criteria provided. Collection method: clinical testing. Allele origin: germline. Not counted in ClinVar's aggregate classification.
Comment: This variant is classified as benign based on ACMG/AMP sequence variant interpretation guidelines (Richards et al. 2015 PMID: 25741868, with internal and published modifications).